The following is an entry in ClinVar:

NM_000548.5(TSC2):c.1998C>T (p.Pro666=)

Gene: TSC2 (TSC complex subunit 2; plus strand). Cytogenetic location: 16p13.3.
Variant type: single nucleotide variant.
Coding change: c.1998C>T on transcript NM_000548.5 (MANE Select); coding-DNA position 1998, C replaced by T.
Protein change: p.Pro666=; no amino-acid change (proline 666 retained).
Molecular consequence: synonymous variant.
Genome position (GRCh38, 1-based): chr16:2,071,835, C>T. VCF-style: chr16-2071835-C-T. GRCh37 (hg19) VCF-style: chr16-2121836-C-T.
Other names: c.1998C>T, p.Pro666= (NM_001077183.3, NM_001114382.3, NM_001363528.2 and 3 more transcripts); c.1887C>T, p.Pro629= (NM_001318827.2); c.1851C>T, p.Pro617= (NM_001318829.2); c.1398C>T, p.Pro466= (NM_001318831.2); c.2031C>T, p.Pro677= (NM_001318832.2).
Identifiers: ClinVar variation 467914 (VCV000467914.16), dbSNP rs1474891284, ClinGen allele CA493042570.

ClinVar aggregate classification (germline): Benign/Likely benign. Review status: criteria provided, multiple submitters, no conflicts (2 of 4 stars). 4 submissions from 4 submitters: Benign (1); Likely benign (3). Last evaluated 2026-01-14.

Conditions:
Hereditary cancer-predisposing syndrome. Also called: Hereditary neoplastic syndrome; Neoplastic Syndromes, Hereditary; Tumor predisposition; Hereditary Cancer Syndrome. Identifiers: Orphanet 140162, MedGen C0027672, MeSH D009386, MONDO:0015356.
Tuberous sclerosis 2 (TSC2). Identifiers: Orphanet 805, MedGen C1860707, MONDO:0013199, OMIM 613254.
Tuberous sclerosis syndrome (TSC). Also called: Tuberous Sclerosis Complex; Tuberous sclerosis. Identifiers: Orphanet 805, MedGen C0041341, MONDO:0001734.

Allele frequency attached by ClinVar (database versions not stated): TOPMed 0.00001; gnomAD exomes below 0.00001.
gnomAD v4.1: 4 of 1,592,862 alleles (0.00025%); highest among the groups gnomAD compares: Non-Finnish European, 0.00034%; no homozygotes.

Submissions (4):

Labcorp Genetics (formerly Invitae), Labcorp
Classification: Likely benign for Tuberous sclerosis 2. Last evaluated: 2026-01-14. Review status: criteria provided, single submitter. Criteria: Invitae Variant Classification Sherloc (09022015). Collection method: clinical testing. Allele origin: germline.

Myriad Genetics, Inc.
Classification: Benign for Tuberous sclerosis 2. Last evaluated: 2025-05-16. Review status: criteria provided, single submitter. Criteria: Myriad Autosomal Dominant, Autosomal Recessive and X-Linked Classification Criteria (2023). Collection method: clinical testing. Allele origin: unknown.
Comment: This variant is considered benign. This variant is a silent/synonymous amino acid change and it is not expected to impact splicing.

Color Diagnostics, LLC DBA Color Health
Classification: Likely benign for Tuberous sclerosis syndrome. Last evaluated: 2022-09-23. Review status: criteria provided, single submitter. Criteria: ACMG Guidelines, 2015. Collection method: clinical testing. Allele origin: germline.

Ambry Genetics
Classification: Likely benign for Hereditary cancer-predisposing syndrome. Last evaluated: 2020-08-14. Review status: criteria provided, single submitter. Criteria: Ambry Variant Classification Scheme 2023. Collection method: clinical testing. Allele origin: germline.